The following is an entry in ClinVar:

ClinVar aggregate classification (germline): Uncertain significance (1 of 4 stars; one submission).

Submission:

GeneDx
Classification: Uncertain significance. Last evaluated: 2026-03-04. Review status: criteria provided, single submitter. Criteria: GeneDx Variant Classification Process June 2021. Collection method: clinical testing. Allele origin: germline.
Comment: Reported as a de novo variant in a fetus with tetrallogy of fallot who also harbored a de novo frameshift variant in the CHD7 gene (PMID: 32410215); Not observed at significant frequency in large population cohorts (gnomAD); In silico analysis suggests that this missense variant does not alter protein structure/function; This variant is associated with the following publications: (PMID: 32410215)

NM_017617.5(NOTCH1):c.1915G>C (p.Glu639Gln)

Gene: NOTCH1 (notch receptor 1; minus strand). Cytogenetic location: 9q34.3.
Variant type: single nucleotide variant.
Coding change: c.1915G>C on transcript NM_017617.5 (MANE Select); coding-DNA position 1915, G replaced by C.
Protein change: p.Glu639Gln; replaces glutamic acid 639 with glutamine.
Molecular consequence: missense variant.
Genome position (GRCh38, 1-based): chr9:136,515,389, C>G on the plus strand (G>C on the coding strand, the complement: NOTCH1 is on the minus strand). VCF-style: chr9-136515389-C-G. GRCh37 (hg19) VCF-style: chr9-139409841-C-G.
Other names: short protein forms E639Q.
Identifiers: ClinVar variation 4888081 (VCV004888081.1).